The following is an entry in ClinVar:

ClinVar aggregate classification (germline): Uncertain significance (1 of 4 stars; one submission).

Conditions:
Autosomal recessive severe congenital neutropenia due to G6PC3 deficiency. Also called: G6PC3 Deficiency; NEUTROPENIA, SEVERE CONGENITAL, 4, AUTOSOMAL RECESSIVE. Identifiers: Orphanet 331176, MedGen C2751630, MONDO:0012930, OMIM 612541.

Submission:

Labcorp Genetics (formerly Invitae), Labcorp
Classification: Uncertain significance for Autosomal recessive severe congenital neutropenia due to G6PC3 deficiency. Last evaluated: 2022-02-24. Review status: criteria provided, single submitter. Criteria: Invitae Variant Classification Sherloc (09022015). Collection method: clinical testing. Allele origin: germline.
Comment: In summary, the available evidence is currently insufficient to determine the role of this variant in disease. Therefore, it has been classified as a Variant of Uncertain Significance. Algorithms developed to predict the effect of missense changes on protein structure and function are either unavailable or do not agree on the potential impact of this missense change (SIFT: "Tolerated"; PolyPhen-2: "Probably Damaging"; Align-GVGD: "Class C0"). ClinVar contains an entry for this variant (Variation ID: 1061120). This variant has not been reported in the literature in individuals affected with G6PC3-related conditions. This variant is not present in population databases (gnomAD no frequency). This sequence change replaces phenylalanine, which is neutral and non-polar, with leucine, which is neutral and non-polar, at codon 76 of the G6PC3 protein (p.Phe76Leu).

NM_138387.4(G6PC3):c.228T>G (p.Phe76Leu)

Gene: G6PC3 (glucose-6-phosphatase catalytic subunit 3; plus strand). Cytogenetic location: 17q21.31.
Variant type: single nucleotide variant.
Coding change: c.228T>G on transcript NM_138387.4 (MANE Select); coding-DNA position 228, T replaced by G.
Protein change: p.Phe76Leu; replaces phenylalanine 76 with leucine.
Molecular consequence: missense variant. On other transcripts: 5 prime UTR variant (4).
Genome position (GRCh38, 1-based): chr17:44,074,169, T>G. VCF-style: chr17-44074169-T-G. GRCh37 (hg19) VCF-style: chr17-42151537-T-G.
Other names: c.228T>G, p.Phe76Leu (NM_001319945.2); c.-118T>G (NM_001384165.1, NM_001384166.1, NM_001384167.1 and 1 more transcripts); short protein forms F76L.
Identifiers: ClinVar variation 1061120 (VCV001061120.7), dbSNP rs2144145566, ClinGen allele CA399725540.